The following is an entry in ClinVar:

ClinVar aggregate classification (germline): Benign/Likely benign. Review status: criteria provided, multiple submitters, no conflicts (2 of 4 stars). 8 submissions from 8 submitters: Benign (5); Likely benign (2). 1 of the submissions does not count toward it. Last evaluated 2026-08-01.

Conditions:
Congenital myasthenic syndrome 8. Also called: MYASTHENIC SYNDROME, CONGENITAL, DUE TO AGRIN DEFICIENCY; Myasthenic syndrome, congenital, 8, with pre- and postsynaptic defects. Identifiers: Orphanet 590, MedGen C3808739, MONDO:0014052, OMIM 615120.

Allele frequency attached by ClinVar (database versions not stated): 1000 Genomes Project 0.00439; 1000 Genomes Project 30x 0.00468; gnomAD 0.00748 and 0.00781; gnomAD exomes 0.00782 and 0.00965; ESP Exome Variant Server 0.00791; TOPMed 0.00801; ExAC 0.01271.
gnomAD v4.1: 15,056 of 1,590,108 alleles (0.95%); highest among the groups gnomAD compares: Middle Eastern, 1.3%; 92 homozygotes.

Submissions (8):

CeGaT Center for Human Genetics Tuebingen
Classification: Benign. Last evaluated: 2026-08-01. Review status: criteria provided, single submitter. Criteria: CeGaT Center For Human Genetics Tuebingen Variant Classification Criteria Version 2. Collection method: clinical testing. Allele origin: germline. Affected: yes. Observed: 8 variant alleles.
Comment: AGRN: BP4, BS1, BS2

Labcorp Genetics (formerly Invitae), Labcorp
Classification: Benign for Congenital myasthenic syndrome 8. Last evaluated: 2026-02-02. Review status: criteria provided, single submitter. Criteria: Invitae Variant Classification Sherloc (09022015). Collection method: clinical testing. Allele origin: germline.

Mayo Clinic Laboratories, Mayo Clinic
Classification: Benign. Last evaluated: 2020-07-08. Review status: criteria provided, single submitter. Criteria: ACMG Guidelines, 2015. Collection method: clinical testing. Allele origin: germline. Observed: 5 variant alleles.

GeneDx
Classification: Benign. Last evaluated: 2018-02-07. Review status: criteria provided, single submitter. Criteria: GeneDx Variant Classification (06012015). Collection method: clinical testing. Allele origin: germline. Affected: yes.
Comment: This variant is considered likely benign or benign based on one or more of the following criteria: it is a conservative change, it occurs at a poorly conserved position in the protein, it is predicted to be benign by multiple in silico algorithms, and/or has population frequency not consistent with disease.

Center for Pediatric Genomic Medicine, Children's Mercy Hospital and Clinics
Classification: Likely benign. Last evaluated: 2017-07-05. Review status: criteria provided, single submitter. Criteria: ACMG Guidelines, 2015. Collection method: clinical testing. Allele origin: germline.

Breakthrough Genomics
Classification: Likely benign. Review status: criteria provided, single submitter. Criteria: ACMG Guidelines, 2015. Collection method: not provided. Allele origin: germline. Inheritance: Autosomal recessive inheritance. Affected: yes.

PreventionGenetics, part of Exact Sciences
Classification: Benign. Review status: criteria provided, single submitter. Criteria: ACMG Guidelines, 2015. Collection method: clinical testing. Allele origin: germline.

Genetic Services Laboratory, University of Chicago
Classification: Likely benign for AllHighlyPenetrant. Review status: no assertion criteria provided. Collection method: clinical testing. Allele origin: germline. Inheritance: Autosomal recessive inheritance. Not counted in ClinVar's aggregate classification.
Comment: Likely benign based on allele frequency in 1000 Genomes Project or ESP global frequency and its presence in a patient with a rare or unrelated disease phenotype. NOT Sanger confirmed.

NM_198576.4(AGRN):c.4540G>A (p.Ala1514Thr)

Gene: AGRN (agrin; plus strand). Cytogenetic location: 1p36.33.
Variant type: single nucleotide variant.
Coding change: c.4540G>A on transcript NM_198576.4 (MANE Select); coding-DNA position 4540, G replaced by A.
Protein change: p.Ala1514Thr; replaces alanine 1514 with threonine.
Molecular consequence: missense variant.
Genome position (GRCh38, 1-based): chr1:1,049,591, G>A. VCF-style: chr1-1049591-G-A. GRCh37 (hg19) VCF-style: chr1-984971-G-A.
Other names: p.Ala1514Thr; c.4540G>A, p.Ala1514Thr (NM_001305275.2); c.4225G>A, p.Ala1409Thr (NM_001364727.2); c.4540G>A (LRG_198t1); short protein forms A1514T, A1409T.
Identifiers: ClinVar variation 128309 (VCV000128309.41), dbSNP rs111818381, ClinGen allele CA151660.